The following is an entry in ClinVar:

ClinVar aggregate classification (germline): Pathogenic (1 of 4 stars; one submission).

Allele frequency attached by ClinVar (database versions not stated): ESP Exome Variant Server 0.00008.
gnomAD v4.1: 23 of 1,613,632 alleles (0.0014%); highest among the groups gnomAD compares: Non-Finnish European, 0.0019%; no homozygotes.

Submission:

Labcorp Genetics (formerly Invitae), Labcorp
Classification: Pathogenic. Last evaluated: 2023-09-25. Review status: criteria provided, single submitter. Criteria: Invitae Variant Classification Sherloc (09022015). Collection method: clinical testing. Allele origin: germline.
Comment: This sequence change creates a premature translational stop signal (p.Gln285*) in the TYRP1 gene. It is expected to result in an absent or disrupted protein product. Loss-of-function variants in TYRP1 are known to be pathogenic (PMID: 8651291, 9345097). This variant is not present in population databases (gnomAD no frequency). This variant has not been reported in the literature in individuals affected with TYRP1-related conditions. ClinVar contains an entry for this variant (Variation ID: 2136743). Algorithms developed to predict the effect of sequence changes on RNA splicing suggest that this variant may disrupt the consensus splice site. For these reasons, this variant has been classified as Pathogenic.

Literature cited by the submitters: PubMed 8651291; PubMed 9345097.

NM_000550.3(TYRP1):c.853C>T (p.Gln285Ter)

Gene: TYRP1 (tyrosinase related protein 1; plus strand). Cytogenetic location: 9p23.
Variant type: single nucleotide variant.
Coding change: c.853C>T on transcript NM_000550.3 (MANE Select); coding-DNA position 853, C replaced by T.
Protein change: p.Gln285Ter; replaces glutamine 285 with a stop codon.
Molecular consequence: nonsense.
Genome position (GRCh38, 1-based): chr9:12,698,595, C>T. VCF-style: chr9-12698595-C-T. GRCh37 (hg19) VCF-style: chr9-12698595-C-T.
Other names: short protein forms Q285*.
Identifiers: ClinVar variation 2136743 (VCV002136743.4), dbSNP rs371562555, ClinGen allele CA4985346.